The following is an entry in ClinVar:

NM_000093.5(COL5A1):c.4180C>T (p.Pro1394Ser)

Gene: COL5A1 (collagen type V alpha 1 chain; plus strand). Cytogenetic location: 9q34.3.
Variant type: single nucleotide variant.
Coding change: c.4180C>T on transcript NM_000093.5 (MANE Select); coding-DNA position 4180, C replaced by T.
Protein change: p.Pro1394Ser; replaces proline 1394 with serine.
Molecular consequence: missense variant.
Genome position (GRCh38, 1-based): chr9:134,817,781, C>T. VCF-style: chr9-134817781-C-T. GRCh37 (hg19) VCF-style: chr9-137709627-C-T.
Other names: c.4180C>T, p.Pro1394Ser (NM_001278074.1); c.4180C>T (NM_000093.3); short protein forms P1394S.
Identifiers: ClinVar variation 1468506 (VCV001468506.15), dbSNP rs761962890, ClinGen allele CA5320187.

ClinVar aggregate classification (germline): Conflicting classifications of pathogenicity. Review status: criteria provided, conflicting classifications (1 of 4 stars). 3 submissions from 3 submitters: Uncertain significance (2); Likely benign (1). Last evaluated 2026-08-22.

Conditions:
Ehlers-Danlos syndrome, classic type, 1 (EDSCL1). Also called: EDS I; EHLERS-DANLOS SYNDROME, GRAVIS TYPE; EHLERS-DANLOS SYNDROME, SEVERE CLASSIC TYPE; Ehlers-Danlos syndrome, type 1; Ehlers-Danlos Syndrome, Classic Type, COL5A1-Related. Identifiers: MedGen C0268335, MONDO:0019567, OMIM 130000.
Familial thoracic aortic aneurysm and aortic dissection (TAAD). Also called: Thoracic aortic aneurysms and dissections. Identifiers: Orphanet 91387, MedGen C4707243, MONDO:0019625.

Allele frequency attached by ClinVar (database versions not stated): ExAC 0.00001; gnomAD exomes 0.00001.
gnomAD v4.1: 3 of 1,611,942 alleles (0.00019%); highest among the groups gnomAD compares: Non-Finnish European, 0.00025%; no homozygotes.

Submissions (3):

Ambry Genetics
Classification: Uncertain significance for Familial thoracic aortic aneurysm and aortic dissection. Last evaluated: 2026-08-22. Review status: criteria provided, single submitter. Criteria: Ambry Variant Classification Scheme 2023. Collection method: clinical testing. Allele origin: germline.
Comment: The p.P1394S variant (also known as c.4180C>T), located in coding exon 54 of the COL5A1 gene, results from a C to T substitution at nucleotide position 4180. The proline at codon 1394 is replaced by serine, an amino acid with similar properties. This amino acid position is conserved. In addition, the in silico prediction for this alteration is inconclusive. Based on the available evidence, the clinical significance of this variant remains unclear.

CeGaT Center for Human Genetics Tuebingen
Classification: Uncertain significance. Last evaluated: 2025-06-01. Review status: criteria provided, single submitter. Criteria: CeGaT Center For Human Genetics Tuebingen Variant Classification Criteria Version 2. Collection method: clinical testing. Allele origin: germline. Affected: yes. Observed: 1 variant allele.

Labcorp Genetics (formerly Invitae), Labcorp
Classification: Likely benign for Ehlers-Danlos syndrome, classic type, 1. Last evaluated: 2024-02-12. Review status: criteria provided, single submitter. Criteria: Invitae Variant Classification Sherloc (09022015). Collection method: clinical testing. Allele origin: germline.